The following is an entry in ClinVar:

NM_002335.4(LRP5):c.4209C>G (p.Val1403=)

Gene: LRP5 (LDL receptor related protein 5; plus strand). Cytogenetic location: 11q13.2.
Variant type: single nucleotide variant.
Coding change: c.4209C>G on transcript NM_002335.4 (MANE Select); coding-DNA position 4209, C replaced by G.
Protein change: p.Val1403=; no amino-acid change (valine 1403 retained).
Molecular consequence: synonymous variant.
Genome position (GRCh38, 1-based): chr11:68,438,543, C>G. VCF-style: chr11-68438543-C-G. GRCh37 (hg19) VCF-style: chr11-68206011-C-G.
Other names: c.2466C>G, p.Val822= (NM_001291902.2).
Identifiers: ClinVar variation 501236 (VCV000501236.26), dbSNP rs147671915, ClinGen allele CA6150281.

ClinVar aggregate classification (germline): Benign/Likely benign. Review status: criteria provided, multiple submitters, no conflicts (2 of 4 stars). 7 submissions from 7 submitters: Benign (3); Likely benign (4). Last evaluated 2026-02-01.

Allele frequency attached by ClinVar (database versions not stated): gnomAD exomes 0.00017 and 0.00042; ExAC 0.00053; ESP Exome Variant Server 0.00146; 1000 Genomes Project 30x 0.00187; 1000 Genomes Project 0.00200; gnomAD 0.00215 and 0.00226; TOPMed 0.00238.
gnomAD v4.1: 584 of 1,614,208 alleles (0.036%); highest among the groups gnomAD compares: African/African-American, 0.71%; 4 homozygotes.

Submissions (9):

Labcorp Genetics (formerly Invitae), Labcorp
Classification: Benign. Last evaluated: 2026-02-01. Review status: criteria provided, single submitter. Criteria: Invitae Variant Classification Sherloc (09022015). Collection method: clinical testing. Allele origin: germline.

Women's Health and Genetics/Laboratory Corporation of America, LabCorp
Classification: Benign. Last evaluated: 2026-01-16. Review status: criteria provided, single submitter. Criteria: LabCorp Variant Classification Summary - May 2015. Collection method: clinical testing. Allele origin: germline.
Comment: Variant summary: LRP5 c.4209C>G alters a conserved nucleotide resulting in a synonymous change. Several computational tools predict a significant impact on normal splicing: Three predict the variant creates a 5' donor site. However, these predictions have yet to be confirmed by functional studies. The variant allele was found at a frequency of 0.00042 in 251158 control chromosomes. The observed variant frequency exceeds the estimated maximal expected allele frequency for disease-causing variants in LRP5. To our knowledge, no occurrence of c.4209C>G in individuals affected with LRP5-related conditions and no experimental evidence demonstrating its impact on protein function have been reported. ClinVar contains an entry for this variant (Variation ID: 501236). Based on the evidence outlined above, the variant was classified as benign.

CeGaT Center for Human Genetics Tuebingen
Classification: Likely benign. Last evaluated: 2025-11-01. Review status: criteria provided, single submitter. Criteria: CeGaT Center For Human Genetics Tuebingen Variant Classification Criteria Version 2. Collection method: clinical testing. Allele origin: germline. Affected: yes. Observed: 1 variant allele.
Comment: LRP5: BP4, BP7

Blueprint Genetics
Classification: Likely benign. Last evaluated: 2024-07-04. Review status: criteria provided, single submitter. Criteria: ACMG Guidelines, 2015. Collection method: clinical testing. Allele origin: germline.

GeneDx
Classification: Likely benign. Last evaluated: 2020-06-29. Review status: criteria provided, single submitter. Criteria: GeneDx Variant Classification (06012015). Collection method: clinical testing. Allele origin: germline. Affected: yes.

Eurofins Ntd Llc (ga)
Classification: Benign. Last evaluated: 2017-04-19. Review status: criteria provided, single submitter. Criteria: EGL Classification Definitions 2015. Collection method: clinical testing. Allele origin: germline. Observed: 1 variant allele, 1 heterozygote.

Breakthrough Genomics
Classification: Likely benign. Review status: criteria provided, single submitter. Criteria: ACMG Guidelines, 2015. Collection method: not provided. Allele origin: germline. Inheritance: Autosomal recessive inheritance. Affected: yes.

Dr. Peter K. Rogan Lab, Western University
No classification provided (evidence only). Condition: Clear cell carcinoma of kidney. Review status: no classification provided. Collection method: in vitro. Allele origin: not applicable. Functional consequence: retained intron. Not counted in ClinVar's aggregate classification.

Dr. Peter K. Rogan Lab, Western University
No classification provided (evidence only). Condition: Sarcoma. Review status: no classification provided. Collection method: in vitro. Allele origin: not applicable. Functional consequence: skipped exon, retained intron. Not counted in ClinVar's aggregate classification.